The following is an entry in ClinVar:

ClinVar aggregate classification (germline): Uncertain significance (1 of 4 stars; one submission).

Conditions:
Developmental and epileptic encephalopathy, 12 (DEE12). Identifiers: MedGen C3150988, MONDO:0013389, OMIM 613722.

Submission:

Labcorp Genetics (formerly Invitae), Labcorp
Classification: Uncertain significance for Developmental and epileptic encephalopathy, 12. Last evaluated: 2022-03-14. Review status: criteria provided, single submitter. Criteria: Invitae Variant Classification Sherloc (09022015). Collection method: clinical testing. Allele origin: germline.
Comment: This variant is not present in population databases (gnomAD no frequency). This variant has not been reported in the literature in individuals affected with PLCB1-related conditions. Algorithms developed to predict the effect of missense changes on protein structure and function (SIFT, PolyPhen-2, Align-GVGD) all suggest that this variant is likely to be tolerated. In summary, the available evidence is currently insufficient to determine the role of this variant in disease. Therefore, it has been classified as a Variant of Uncertain Significance. This sequence change replaces valine, which is neutral and non-polar, with leucine, which is neutral and non-polar, at codon 726 of the PLCB1 protein (p.Val726Leu).

NM_015192.4(PLCB1):c.2176G>C (p.Val726Leu)

Gene: PLCB1 (phospholipase C beta 1; plus strand). Cytogenetic location: 20p12.3.
Variant type: single nucleotide variant.
Coding change: c.2176G>C on transcript NM_015192.4 (MANE Select); coding-DNA position 2176, G replaced by C.
Protein change: p.Val726Leu; replaces valine 726 with leucine.
Molecular consequence: missense variant.
Genome position (GRCh38, 1-based): chr20:8,737,160, G>C. VCF-style: chr20-8737160-G-C. GRCh37 (hg19) VCF-style: chr20-8717807-G-C.
Other names: c.2176G>C, p.Val726Leu (NM_182734.3); short protein forms V726L.
Identifiers: ClinVar variation 2111931 (VCV002111931.4), dbSNP rs756337847, ClinGen allele CA408207080.
Genomic context (GRCh38, chr20:8,737,160, plus strand): 5'-GTGGATACAAGGAGGAAGGCATTTAAGACCAAAACATCCCAAGGAAATGCTGTGAATCCT[G>C]TCTGGGAAGAAGAACCTATTGTGTTCAAAAAGGTTGGTCACATGTTCTTGATATGAGTTA-3'
Protein context (NP_056007.1, residues 716-736): KTSQGNAVNP[Val726Leu]WEEEPIVFKK